The following is an entry in ClinVar:

NM_025136.4(OPA3):c.29A>G (p.Lys10Arg)

Genes: OPA3-RTN2 (OPA3-RTN2 readthrough; minus strand), OPA3 (outer mitochondrial membrane lipid metabolism regulator OPA3; minus strand), LOC130064709 (ATAC-STARR-seq lymphoblastoid active region 14802; plus strand). Cytogenetic location: 19q13.32.
Variant type: single nucleotide variant.
Coding change: c.29A>G on transcript NM_025136.4 (MANE Select); coding-DNA position 29, A replaced by G.
Protein change: p.Lys10Arg; replaces lysine 10 with arginine.
Molecular consequence: missense variant.
Genome position (GRCh38, 1-based): chr19:45,584,736, T>C on the plus strand (A>G on the coding strand, the complement: OPA3 is on the minus strand). VCF-style: chr19-45584736-T-C. GRCh37 (hg19) VCF-style: chr19-46087994-T-C.
Other names: c.29A>G, p.Lys10Arg (NM_001017989.3); short protein forms K10R.
Identifiers: ClinVar variation 3752862 (VCV003752862.2).
Genomic context (GRCh38, chr19:45,584,736, plus strand): 5'-GCCTCCTTAATACGGTTGGCAAGCGGCTTGCTGACCTGCCGGATGCCCAAGTATAGCAGC[T>C]TCGCCATAGGGAACGCGCCCACCACCATCTTGGCGGTCTCACAGGGCACGCGCAACCTTG-3'
Protein context (NP_079412.1, residues 1-20): MVVGAFPMA[Lys10Arg]LLYLGIRQVS

ClinVar aggregate classification (germline): Uncertain significance (1 of 4 stars; one submission).

Conditions:
Optic atrophy 3 (OPA3). Also called: OPTIC ATROPHY 3, AUTOSOMAL DOMINANT; Optic atrophy, cataract, and neurologic disorder; Optic atrophy 3 with cataract. Identifiers: Orphanet 67036, MedGen C1833809, MONDO:0008133, OMIM 165300.
3-Methylglutaconic aciduria type 3 (MGCA3). Also called: OPA3, AUTOSOMAL RECESSIVE; OPTIC ATROPHY 3, AUTOSOMAL RECESSIVE; OPA3-Related 3-Methylglutaconic Aciduria; Costeff Syndrome. Identifiers: Orphanet 67047, MedGen C0574084, MONDO:0009787, OMIM 258501.

gnomAD v4.1: 1 of 1,614,124 alleles (0.000062%); highest among the groups gnomAD compares: Non-Finnish European, 0.000085%; no homozygotes.

Submission:

Labcorp Genetics (formerly Invitae), Labcorp
Classification: Uncertain significance for 3-Methylglutaconic aciduria type 3; Optic atrophy 3. Last evaluated: 2024-07-12. Review status: criteria provided, single submitter. Criteria: Invitae Variant Classification Sherloc (09022015). Collection method: clinical testing. Allele origin: germline.
Comment: This sequence change replaces lysine, which is basic and polar, with arginine, which is basic and polar, at codon 10 of the OPA3 protein (p.Lys10Arg). This variant is not present in population databases (gnomAD no frequency). This variant has not been reported in the literature in individuals affected with OPA3-related conditions. An algorithm developed to predict the effect of missense changes on protein structure and function (PolyPhen-2) suggests that this variant is likely to be disruptive. In summary, the available evidence is currently insufficient to determine the role of this variant in disease. Therefore, it has been classified as a Variant of Uncertain Significance.